The following is an entry in ClinVar:

ClinVar aggregate classification (germline): Uncertain significance (1 of 4 stars; one submission).

gnomAD v4.1: 1 of 1,613,724 alleles (0.000062%); highest among the groups gnomAD compares: South Asian, 0.0011%; no homozygotes.

Submission:

Labcorp Genetics (formerly Invitae), Labcorp
Classification: Uncertain significance. Last evaluated: 2020-10-14. Review status: criteria provided, single submitter. Criteria: Invitae Variant Classification Sherloc (09022015). Collection method: clinical testing. Allele origin: germline.
Comment: This sequence change replaces alanine with proline at codon 2886 of the HSPG2 protein (p.Ala2886Pro). The alanine residue is moderately conserved and there is a small physicochemical difference between alanine and proline. This variant is not present in population databases (ExAC no frequency). This variant has not been reported in the literature in individuals with HSPG2-related conditions. Algorithms developed to predict the effect of missense changes on protein structure and function are either unavailable or do not agree on the potential impact of this missense change (SIFT: "Tolerated"; PolyPhen-2: "Probably Damaging"; Align-GVGD: "Class C0"). In summary, the available evidence is currently insufficient to determine the role of this variant in disease. Therefore, it has been classified as a Variant of Uncertain Significance.

NM_005529.7(HSPG2):c.8656G>C (p.Ala2886Pro)

Gene: HSPG2 (heparan sulfate proteoglycan 2; minus strand). Cytogenetic location: 1p36.12.
Variant type: single nucleotide variant.
Coding change: c.8656G>C on transcript NM_005529.7 (MANE Select); coding-DNA position 8656, G replaced by C.
Protein change: p.Ala2886Pro; replaces alanine 2886 with proline.
Molecular consequence: missense variant.
Genome position (GRCh38, 1-based): chr1:21,843,399, C>G on the plus strand (G>C on the coding strand, the complement: HSPG2 is on the minus strand). VCF-style: chr1-21843399-C-G. GRCh37 (hg19) VCF-style: chr1-22169892-C-G.
Other names: c.8659G>C, p.Ala2887Pro (NM_001291860.2); short protein forms A2886P, A2887P.
Identifiers: ClinVar variation 1020701 (VCV001020701.8), dbSNP rs781526229, ClinGen allele CA338917060.